The following is an entry in ClinVar:

ClinVar aggregate classification (germline): Uncertain significance (1 of 4 stars; one submission).

Submission:

GeneDx
Classification: Uncertain significance. Last evaluated: 2026-03-04. Review status: criteria provided, single submitter. Criteria: GeneDx Variant Classification Process June 2021. Collection method: clinical testing. Allele origin: germline.
Comment: Not observed at significant frequency in large population cohorts (gnomAD); In silico analysis supports that this missense variant has a deleterious effect on protein structure/function; Has not been previously published as pathogenic or benign to our knowledge

NM_001394062.1(MACF1):c.22142C>T (p.Ser7381Phe)

Gene: MACF1 (microtubule actin crosslinking factor 1; plus strand). Cytogenetic location: 1p34.3.
Variant type: single nucleotide variant.
Coding change: c.22142C>T on transcript NM_001394062.1 (MANE Select); coding-DNA position 22142, C replaced by T.
Protein change: p.Ser7381Phe; replaces serine 7381 with phenylalanine.
Molecular consequence: missense variant.
Genome position (GRCh38, 1-based): chr1:39,479,981, C>T. VCF-style: chr1-39479981-C-T. GRCh37 (hg19) VCF-style: chr1-39945653-C-T.
Other names: c.10133C>T, p.Ser3378Phe (NM_001397473.1); c.15878C>T, p.Ser5293Phe (NM_012090.5); short protein forms S3378F, S7381F, S5293F.
Identifiers: ClinVar variation 5008552 (VCV005008552.1).